The following is an entry in ClinVar:

NM_003384.3(VRK1):c.583T>G (p.Leu195Val)

Gene: VRK1 (VRK serine/threonine kinase 1; plus strand). Cytogenetic location: 14q32.2.
Variant type: single nucleotide variant.
Coding change: c.583T>G on transcript NM_003384.3 (MANE Select); coding-DNA position 583, T replaced by G.
Protein change: p.Leu195Val; replaces leucine 195 with valine.
Molecular consequence: missense variant.
Genome position (GRCh38, 1-based): chr14:96,855,230, T>G. VCF-style: chr14-96855230-T-G. GRCh37 (hg19) VCF-style: chr14-97321567-T-G.
Other names: short protein forms L195V.
Identifiers: ClinVar variation 1057157 (VCV001057157.10), dbSNP rs779770049, ClinGen allele CA7339029.

ClinVar aggregate classification (germline): Uncertain significance. Review status: criteria provided, multiple submitters, no conflicts (2 of 4 stars). 3 submissions from 3 submitters: Uncertain significance (2). 1 of the submissions does not count toward it. Last evaluated 2023-06-30.

Conditions:
Distal spinal muscular atrophy. Also called: Distal hereditary motor neuronopathy; Distal hereditary motor neuropathy. Identifiers: Orphanet 53739, MedGen C0393541, MONDO:0018894.
Inborn genetic diseases. Identifiers: MedGen C0950123, MeSH D030342.
Pontocerebellar hypoplasia type 1A (PCH1A). Also called: PONTOCEREBELLAR HYPOPLASIA WITH ANTERIOR HORN CELL DISEASE; PONTOCEREBELLAR HYPOPLASIA WITH INFANTILE SPINAL MUSCULAR ATROPHY. Identifiers: Orphanet 2254, Orphanet 88616, MedGen C1843504, MONDO:0011866, OMIM 607596.

Allele frequency attached by ClinVar (database versions not stated): gnomAD exomes 0.00001; TOPMed 0.00001; ExAC 0.00002.
gnomAD v4.1: 20 of 1,614,004 alleles (0.0012%); highest among the groups gnomAD compares: African/African-American, 0.0027%; no homozygotes.

Submissions (3):

Ambry Genetics
Classification: Uncertain significance for Inborn genetic diseases. Last evaluated: 2023-06-30. Review status: criteria provided, single submitter. Criteria: Ambry Variant Classification Scheme 2023. Collection method: clinical testing. Allele origin: germline.

Labcorp Genetics (formerly Invitae), Labcorp
Classification: Uncertain significance for Pontocerebellar hypoplasia type 1A. Last evaluated: 2021-09-01. Review status: criteria provided, single submitter. Criteria: Invitae Variant Classification Sherloc (09022015). Collection method: clinical testing. Allele origin: germline.
Comment: This sequence change replaces leucine with valine at codon 195 of the VRK1 protein (p.Leu195Val). The leucine residue is highly conserved and there is a small physicochemical difference between leucine and valine. This variant is present in population databases (rs779770049, ExAC 0.003%). This missense change has been observed in individual(s) with a VRK1-related condition (PMID: 27281532). Algorithms developed to predict the effect of missense changes on protein structure and function (SIFT, PolyPhen-2, Align-GVGD) all suggest that this variant is likely to be disruptive. In summary, the available evidence is currently insufficient to determine the role of this variant in disease. Therefore, it has been classified as a Variant of Uncertain Significance.

Genome Diagnostics Laboratory, University Medical Center Utrecht
Classification: Likely pathogenic for Distal spinal muscular atrophy. Last evaluated: 2019-10-01. Review status: no assertion criteria provided. Collection method: clinical testing. Allele origin: unknown. Observed: 2 variant alleles. Not counted in ClinVar's aggregate classification.

Literature cited by the submitters: PubMed 27281532 (cited by Ambry Genetics and Labcorp Genetics (formerly Invitae), Labcorp); PubMed 35641352 (cited by Ambry Genetics).